The following is an entry in ClinVar:

NC_000016.9:g.(?_70289611)_(70293109_?)dup

Gene: AARS1 (alanyl-tRNA synthetase 1; minus strand). Cytogenetic location: 16q22.1.
Variant type: Duplication.
Identifiers: ClinVar variation 3243570 (VCV003243570.1).

ClinVar aggregate classification (germline): Uncertain significance (1 of 4 stars; one submission).

Conditions:
Charcot-Marie-Tooth disease type 2. Also called: Charcot-Marie-Tooth type 2. Identifiers: Orphanet 64746, MedGen C0270914, MONDO:0018993.

Submission:

Labcorp Genetics (formerly Invitae), Labcorp
Classification: Uncertain significance for Charcot-Marie-Tooth disease type 2. Last evaluated: 2023-12-27. Review status: criteria provided, single submitter. Criteria: Invitae Variant Classification Sherloc (09022015). Collection method: clinical testing. Allele origin: unknown.
Comment: This variant results in a copy number gain of the genomic region encompassing exon(s) 14-16 of the AARS gene. While the exact position of this variant cannot be determined from the data, sub-genic copy number gains are generally in tandem (PMID: 25640679). This variant is predicted to be in-frame, and likely preserves the integrity of the reading frame. This variant has not been reported in the literature in individuals affected with AARS-related conditions. In summary, the available evidence is currently insufficient to determine the role of this variant in disease. Therefore, it has been classified as a Variant of Uncertain Significance.

Literature cited by the submitters: PubMed 25640679.